The following is an entry in ClinVar:

ClinVar aggregate classification (germline): Uncertain significance. Review status: criteria provided, multiple submitters, no conflicts (2 of 4 stars). 2 submissions from 2 submitters: Uncertain significance (2). Last evaluated 2024-05-13.

Conditions:
Norman-Roberts syndrome (LIS2). Also called: Lissencephaly 2 (Norman-Roberts type). Identifiers: Orphanet 89844, MedGen C0796089, MONDO:0009760, OMIM 257320.
Familial temporal lobe epilepsy 7. Identifiers: Orphanet 101046, MedGen C4225327, MONDO:0014639, OMIM 616436.

Allele frequency attached by ClinVar (database versions not stated): gnomAD exomes below 0.00001; ExAC 0.00001.
gnomAD v4.1: 6 of 1,613,716 alleles (0.00037%); highest among the groups gnomAD compares: Middle Eastern, 0.017%; no homozygotes.

Submissions (2):

Labcorp Genetics (formerly Invitae), Labcorp
Classification: Uncertain significance for Familial temporal lobe epilepsy 7; Norman-Roberts syndrome. Last evaluated: 2024-05-13. Review status: criteria provided, single submitter. Criteria: Invitae Variant Classification Sherloc (09022015). Collection method: clinical testing. Allele origin: germline.
Comment: This sequence change replaces asparagine, which is neutral and polar, with lysine, which is basic and polar, at codon 223 of the RELN protein (p.Asn223Lys). This variant is not present in population databases (gnomAD no frequency). This variant has not been reported in the literature in individuals affected with RELN-related conditions. ClinVar contains an entry for this variant (Variation ID: 1301675). Advanced modeling of protein sequence and biophysical properties (such as structural, functional, and spatial information, amino acid conservation, physicochemical variation, residue mobility, and thermodynamic stability) performed at Invitae indicates that this missense variant is not expected to disrupt RELN protein function with a negative predictive value of 80%. In summary, the available evidence is currently insufficient to determine the role of this variant in disease. Therefore, it has been classified as a Variant of Uncertain Significance.

Dubai Health Genomic Medicine Center, Dubai Health
Classification: Uncertain significance. Last evaluated: 2020-01-24. Review status: criteria provided, single submitter. Criteria: ACMG Guidelines, 2015. Collection method: clinical testing. Allele origin: germline. Affected: yes.

NM_005045.4(RELN):c.669C>G (p.Asn223Lys)

Gene: RELN (reelin; minus strand). Cytogenetic location: 7q22.1.
Variant type: single nucleotide variant.
Coding change: c.669C>G on transcript NM_005045.4 (MANE Select); coding-DNA position 669, C replaced by G.
Protein change: p.Asn223Lys; replaces asparagine 223 with lysine.
Molecular consequence: missense variant.
Genome position (GRCh38, 1-based): chr7:103,728,195, G>C on the plus strand (C>G on the coding strand, the complement: RELN is on the minus strand). VCF-style: chr7-103728195-G-C. GRCh37 (hg19) VCF-style: chr7-103368642-G-C.
Other names: c.669C>G, p.Asn223Lys (NM_173054.3); short protein forms N223K.
Identifiers: ClinVar variation 1301675 (VCV001301675.8), dbSNP rs773006128, ClinGen allele CA4422476.